The following is an entry in ClinVar:

NM_031885.5(BBS2):c.897G>C (p.Met299Ile)

Gene: BBS2 (Bardet-Biedl syndrome 2; minus strand). Cytogenetic location: 16q13.
Variant type: single nucleotide variant.
Coding change: c.897G>C on transcript NM_031885.5 (MANE Select); coding-DNA position 897, G replaced by C.
Protein change: p.Met299Ile; replaces methionine 299 with isoleucine.
Molecular consequence: missense variant. On other transcripts: non-coding transcript variant (5).
Genome position (GRCh38, 1-based): chr16:56,502,716, C>G on the plus strand (G>C on the coding strand, the complement: BBS2 is on the minus strand). VCF-style: chr16-56502716-C-G. GRCh37 (hg19) VCF-style: chr16-56536628-C-G.
Other names: c.897G>C, p.Met299Ile (NM_001377456.1); c.897G>C (NM_031885.3); short protein forms M299I.
Identifiers: ClinVar variation 1376750 (VCV001376750.6), dbSNP rs759147772, ClinGen allele CA8065889.
Genomic context (GRCh38, chr16:56,502,716, plus strand): 5'-TTCTCATCCCAATTTACTTTCCCCATCCACTGAGCAGCAGATTAACTGTATGTGGCCATC[C>G]ATCCGGTAATCTCCCTCTACCACACCGGCAATTGCAGAAGAAAAATTGTCCTTAAAGATG-3'
Protein context (NP_114091.4, residues 289-309): IAGVVEGDYR[Met299Ile]DGHIQLICCS

ClinVar aggregate classification (germline): Uncertain significance. Review status: criteria provided, multiple submitters, no conflicts (2 of 4 stars). 2 submissions from 2 submitters: Uncertain significance (2). Last evaluated 2025-12-04.

Conditions:
Bardet-Biedl syndrome (BBS). Identifiers: Orphanet 110, MedGen C0752166, MONDO:0015229.
BBS2-related disorder. Also called: BBS2-related disorders; BBS2-related condition. Identifiers: MedGen CN239228.

Allele frequency attached by ClinVar (database versions not stated): ExAC 0.00002.
gnomAD v4.1: 9 of 1,614,168 alleles (0.00056%); highest among the groups gnomAD compares: East Asian, 0.0045%; no homozygotes.

Submissions (2):

PreventionGenetics, part of Exact Sciences
Classification: Uncertain significance for BBS2-related condition. Last evaluated: 2025-12-04. Review status: criteria provided, single submitter. Criteria: ACMG Guidelines, 2015. Collection method: clinical testing. Allele origin: germline.
Comment: The BBS2 c.897G>C variant is predicted to result in the amino acid substitution p.Met299Ile. To our knowledge, this variant has not been reported in the literature. This variant is reported in 0.011% of alleles in individuals of East Asian descent in gnomAD. At this time, the clinical significance of this variant is uncertain due to the absence of conclusive functional and genetic evidence.

Labcorp Genetics (formerly Invitae), Labcorp
Classification: Uncertain significance for Bardet-Biedl syndrome. Last evaluated: 2022-08-09. Review status: criteria provided, single submitter. Criteria: Invitae Variant Classification Sherloc (09022015). Collection method: clinical testing. Allele origin: germline.
Comment: This sequence change replaces methionine, which is neutral and non-polar, with isoleucine, which is neutral and non-polar, at codon 299 of the BBS2 protein (p.Met299Ile). This variant is present in population databases (rs759147772, gnomAD 0.01%). This variant has not been reported in the literature in individuals affected with BBS2-related conditions. ClinVar contains an entry for this variant (Variation ID: 1376750). Algorithms developed to predict the effect of missense changes on protein structure and function (SIFT, PolyPhen-2, Align-GVGD) all suggest that this variant is likely to be tolerated. In summary, the available evidence is currently insufficient to determine the role of this variant in disease. Therefore, it has been classified as a Variant of Uncertain Significance.